The following is an entry in ClinVar:

NM_000077.5(CDKN2A):c.202_203delinsTA (p.Ala68Ter)

Gene: CDKN2A (cyclin dependent kinase inhibitor 2A; minus strand). Cytogenetic location: 9p21.3.
Variant type: Indel.
Coding change: c.202_203delinsTA on transcript NM_000077.5; coding-DNA positions 202 to 203, GC replaced by TA.
Protein change: p.Ala68Ter; replaces alanine 68 with a stop codon.
Molecular consequence: nonsense (on NM_000077.6). On other transcripts: missense variant (1), 3 prime UTR variant (1).
Genome position (GRCh38, 1-based): chr9:21,971,156-21,971,157, GC replaced by TA on the plus strand (GC replaced by TA on the coding strand, the reverse complement: CDKN2A is on the minus strand). VCF-style: chr9-21971156-GC-TA. GRCh37 (hg19) VCF-style: chr9-21971155-GC-TA.
Other names: c.202_203delGCinsTA, p.Ala68Ter (NM_000077.6); c.202_203delinsTA, p.Ala68Ter (NM_001195132.2); c.49_50delinsTA, p.Ala17Ter (NM_001363763.2); c.245_246delinsTA, p.Arg82Leu (NM_058195.4); c.*125_*126delinsTA (NM_058197.5); short protein forms A68*, R82L, A17*.
Identifiers: ClinVar variation 4729863 (VCV004729863.1).

ClinVar aggregate classification (germline): Pathogenic (1 of 4 stars; one submission).

Conditions:
Familial melanoma. Also called: Hereditary melanoma; Hereditary cutaneous melanoma. Identifiers: Orphanet 618, MedGen C1512419, MONDO:0018961.

Submission:

Labcorp Genetics (formerly Invitae), Labcorp
Classification: Pathogenic for Familial melanoma. Last evaluated: 2025-10-26. Review status: criteria provided, single submitter. Criteria: Invitae Variant Classification Sherloc (09022015). Collection method: clinical testing. Allele origin: germline.
Comment: The CDKN2A gene encodes two different proteins, p16INK4a and p14ARF, which are translated from alternative transcripts with different open reading frames. Both transcripts have been analyzed. We report either the variant with the higher classification or default to the CDKN2A (p16INK4a) variant. This report therefore includes the details for the CDKN2A (p16INK4a) variant. This sequence change creates a premature translational stop signal (p.Ala68*) in the CDKN2A (p16INK4a) gene. It is expected to result in an absent or disrupted protein product. Loss-of-function variants in CDKN2A (p16INK4a) are known to be pathogenic (PMID: 15146471, 16905682). Information on the frequency of this variant in the gnomAD database is not available, as this variant may be reported differently in the database. This variant has not been reported in the literature in individuals affected with CDKN2A (p16INK4a)-related conditions. This variant is also known as c.245_246delinsTA (p.Arg82Leu) in CDKN2A (p14ARF) transcript. For these reasons, this variant has been classified as Pathogenic. While the evidence indicates that this variant confers risk of developing CDKN2A (p16INK4a)-associated conditions, its association with risk for developing CDKN2A (p14ARF)-associated conditions is still unclear.

Literature cited by the submitters: PubMed 15146471; PubMed 16905682.